The following is an entry in ClinVar:

NM_033026.6(PCLO):c.14702A>G (p.Lys4901Arg)

Gene: PCLO (piccolo presynaptic cytomatrix protein; minus strand). Cytogenetic location: 7q21.11.
Variant type: single nucleotide variant.
Coding change: c.14702A>G on transcript NM_033026.6 (MANE Select); coding-DNA position 14702, A replaced by G.
Protein change: p.Lys4901Arg; replaces lysine 4901 with arginine.
Molecular consequence: missense variant.
Genome position (GRCh38, 1-based): chr7:82,822,584, T>C on the plus strand (A>G on the coding strand, the complement: PCLO is on the minus strand). VCF-style: chr7-82822584-T-C. GRCh37 (hg19) VCF-style: chr7-82451900-T-C.
Other names: c.14702A>G, p.Lys4901Arg (NM_014510.3); short protein forms K4901R.
Identifiers: ClinVar variation 218822 (VCV000218822.38), dbSNP rs149360770, ClinGen allele CA249160.

ClinVar aggregate classification (germline): Likely benign. Review status: criteria provided, multiple submitters, no conflicts (2 of 4 stars). 7 submissions from 7 submitters: Likely benign (6). 1 of the submissions does not count toward it. Last evaluated 2026-02-03.

Conditions:
PCLO-related disorder. Also called: PCLO-related condition.
Inborn genetic diseases. Identifiers: MedGen C0950123, MeSH D030342.

Allele frequency attached by ClinVar (database versions not stated): gnomAD 0.00131 and 0.00127; ExAC 0.00141; gnomAD exomes 0.00145 and 0.00127; TOPMed 0.00152; ESP Exome Variant Server 0.00183; 1000 Genomes Project 30x 0.00047; 1000 Genomes Project 0.00060.
gnomAD v4.1: 2,160 of 1,613,874 alleles (0.13%); highest among the groups gnomAD compares: Middle Eastern, 4.2%; 28 homozygotes.

Submissions (7):

Labcorp Genetics (formerly Invitae), Labcorp
Classification: Likely benign. Last evaluated: 2026-02-03. Review status: criteria provided, single submitter. Criteria: Invitae Variant Classification Sherloc (09022015). Collection method: clinical testing. Allele origin: germline.

CeGaT Center for Human Genetics Tuebingen
Classification: Likely benign. Last evaluated: 2026-02-01. Review status: criteria provided, single submitter. Criteria: CeGaT Center For Human Genetics Tuebingen Variant Classification Criteria Version 2. Collection method: clinical testing. Allele origin: germline. Affected: yes. Observed: 10 variant alleles.
Comment: PCLO: BS2

Blueprint Genetics
Classification: Likely benign. Last evaluated: 2024-11-27. Review status: criteria provided, single submitter. Criteria: ACMG Guidelines, 2015. Collection method: clinical testing. Allele origin: germline.

Ambry Genetics
Classification: Likely benign for Inborn genetic diseases. Last evaluated: 2022-04-27. Review status: criteria provided, single submitter. Criteria: Ambry Variant Classification Scheme 2023. Collection method: clinical testing. Allele origin: germline.

Genomic Diagnostic Laboratory, Division of Genomic Diagnostics, Children's Hospital of Philadelphia
Classification: Likely benign. Last evaluated: 2015-07-10. Review status: criteria provided, single submitter. Criteria: DGD Variant Analysis Guidelines. Collection method: clinical testing. Allele origin: unknown.

Breakthrough Genomics
Classification: Likely benign. Review status: criteria provided, single submitter. Criteria: ACMG Guidelines, 2015. Collection method: not provided. Allele origin: germline. Inheritance: Autosomal recessive inheritance. Affected: yes.

PreventionGenetics, part of Exact Sciences
Classification: Likely benign for PCLO-related condition. Last evaluated: 2021-10-22. Review status: no assertion criteria provided. Collection method: clinical testing. Allele origin: germline. Not counted in ClinVar's aggregate classification.
Comment: This variant is classified as likely benign based on ACMG/AMP sequence variant interpretation guidelines (Richards et al. 2015 PMID: 25741868, with internal and published modifications).